The following is an entry in ClinVar:

ClinVar aggregate classification (germline): Conflicting classifications of pathogenicity. Review status: criteria provided, conflicting classifications (1 of 4 stars). 4 submissions from 4 submitters: Uncertain significance (3); Likely benign (1). Last evaluated 2022-11-15.

Conditions:
Hereditary nonpolyposis colorectal neoplasms. Identifiers: MedGen C0009405, MeSH D003123.
Hereditary cancer-predisposing syndrome. Also called: Hereditary neoplastic syndrome; Hereditary Cancer Syndrome; Neoplastic Syndromes, Hereditary; Tumor predisposition. Identifiers: Orphanet 140162, MedGen C0027672, MeSH D009386, MONDO:0015356.
Endometrial carcinoma. Also called: Endometrial carcinoma, somatic. Identifiers: MedGen C0476089, MONDO:0002447, OMIM 608089, HP:0012114.

Allele frequency attached by ClinVar (database versions not stated): gnomAD exomes below 0.00001.
gnomAD v4.1: 4 of 1,613,938 alleles (0.00025%); highest among the groups gnomAD compares: South Asian, 0.0011%; no homozygotes.

Submissions (4):

Labcorp Genetics (formerly Invitae), Labcorp
Classification: Likely benign for Hereditary nonpolyposis colorectal neoplasms. Last evaluated: 2022-11-15. Review status: criteria provided, single submitter. Criteria: Invitae Variant Classification Sherloc (09022015). Collection method: clinical testing. Allele origin: germline.

Ambry Genetics
Classification: Uncertain significance for Hereditary cancer-predisposing syndrome. Last evaluated: 2020-01-16. Review status: criteria provided, single submitter. Criteria: Ambry Variant Classification Scheme 2023. Collection method: clinical testing. Allele origin: germline.
Comment: The p.S823G variant (also known as c.2467A>G), located in coding exon 4 of the MSH6 gene, results from an A to G substitution at nucleotide position 2467. The serine at codon 823 is replaced by glycine, an amino acid with similar properties. This amino acid position is well conserved in available vertebrate species. In addition, the in silico prediction for this alteration is inconclusive. Since supporting evidence is limited at this time, the clinical significance of this alteration remains unclear.

GeneDx
Classification: Uncertain significance. Last evaluated: 2016-02-16. Review status: criteria provided, single submitter. Criteria: GeneDx Variant Classification (06012015). Collection method: clinical testing. Allele origin: germline. Affected: yes.
Comment: This variant is denoted MSH6 c.2467A>G at the cDNA level, p.Ser823Gly (S823G) at the protein level, and results in the change of a Serine to a Glycine (AGT>GGT). This variant has not, to our knowledge, been published in the literature as pathogenic or benign. MSH6 Ser823Gly was not observed in approximately 6,500 individuals of European and African American ancestry in the NHLBI Exome Sequencing Project, suggesting it is not a common benign variant in these populations. Since Serine and Glycine differ in polarity, charge, size or other properties, this is considered a non-conservative amino acid substitution. MSH6 Ser823Gly occurs at a position where amino acids with properties similar to Serine are tolerated across species and is located in domain III of the MutS domain (Terui 2013). In silico analyses are inconsistent regarding the effect this variant may have on protein structure and function. Based on currently available evidence, it is unclear whether MSH6 Ser823Gly is a pathogenic or benign variant. We consider it to be a variant of uncertain significance.

Neuberg Centre For Genomic Medicine, NCGM
Classification: Uncertain significance for Endometrial carcinoma. Review status: criteria provided, single submitter. Criteria: ACMG Guidelines, 2015. Collection method: clinical testing. Allele origin: germline. Inheritance: Autosomal dominant inheritance. Affected: yes.
Comment: The missense c.2467A>G(p.Ser823Gly) variant in MSH6 gene has not been reported previously as a pathogenic variant nor as a benign variant, to our knowledge. The variant is reported with an allele frequency of 0.0004% in the gnomAD exomes database and is novel (not in any individuals) in 1000 Genomes database. This variant has been reported to the ClinVar database as likely benign/ Uncertain significance. The amino acid change p.Ser823Gly in MSH6 is predicted as conserved by GERP++ and PhyloP across 100 vertebrates. The amino acid Ser at position 823 is changed to a Gly changing protein sequence and it might alter its composition and physico-chemical properties. For these reasons, this variant has been classified as Variant of Uncertain Significance.

NM_000179.3(MSH6):c.2467A>G (p.Ser823Gly)

Gene: MSH6 (mutS homolog 6; plus strand). Cytogenetic location: 2p16.3.
Variant type: single nucleotide variant.
Coding change: c.2467A>G on transcript NM_000179.3 (MANE Select); coding-DNA position 2467, A replaced by G.
Protein change: p.Ser823Gly; replaces serine 823 with glycine.
Molecular consequence: missense variant.
Genome position (GRCh38, 1-based): chr2:47,800,450, A>G. VCF-style: chr2-47800450-A-G. GRCh37 (hg19) VCF-style: chr2-48027589-A-G.
Other names: c.2077A>G, p.Ser693Gly (NM_001281492.2); c.1561A>G, p.Ser521Gly (NM_001281493.2, NM_001281494.2); short protein forms S823G, S521G, S693G.
Identifiers: ClinVar variation 234841 (VCV000234841.13), dbSNP rs267608032, ClinGen allele CA10577277.